The following is an entry in ClinVar:

ClinVar aggregate classification (germline): Pathogenic. Review status: criteria provided, single submitter (1 of 4 stars). 2 submissions from 2 submitters: Pathogenic (1). 1 of the submissions does not count toward it. Last evaluated 2026-08-07.

Conditions:
UBA5-related disorder. Also called: UBA5-related disorders; UBA5-related condition.
Inborn genetic diseases. Identifiers: MedGen C0950123, MeSH D030342.

Submissions (2):

Ambry Genetics
Classification: Pathogenic for Inborn genetic diseases. Last evaluated: 2026-08-07. Review status: criteria provided, single submitter. Criteria: Ambry Variant Classification Scheme 2023. Collection method: clinical testing. Allele origin: germline.
Comment: The c.129_130insGG (p.S44Gfs*14) alteration, located in coding exon 1 of the UBA5 gene, consists of an insertion of GG at position 129, causing a translational frameshift with a predicted alternate stop codon after 14 amino acids. This alteration is expected to result in loss of function by premature protein truncation or nonsense-mediated mRNA decay. Based on data from gnomAD, the c.129_130insGG allele has an overall frequency of <0.001% (1/189062) total alleles studied. The highest observed frequency was 0.001% (1/80756) of European (non-Finnish) alleles. Based on the available evidence, this alteration is classified as pathogenic.

PreventionGenetics, part of Exact Sciences
Classification: Likely pathogenic for UBA5-related condition. Last evaluated: 2024-08-13. Review status: no assertion criteria provided. Collection method: clinical testing. Allele origin: germline. Not counted in ClinVar's aggregate classification.
Comment: The UBA5 c.129_130insGG variant is predicted to result in a frameshift and premature protein termination (p.Ser44Glyfs*14). This variant has been reported, along with a missense variant in the same gene, in an individual from a cohort of patients tested by whole genome sequencing for rare diseases (Table S7, Stranneheim et al. 2021. PubMed ID: 33726816). This variant is reported in 0.0012% of alleles in individuals of European (Non-Finnish) descent in gnomAD. Frameshift variants in UBA5 are expected to be pathogenic. This variant is interpreted as likely pathogenic.

NM_024818.6(UBA5):c.129_130insGG (p.Ser44fs)

Genes: UBA5 (ubiquitin like modifier activating enzyme 5; plus strand), NPHP3-ACAD11 (NPHP3-ACAD11 readthrough (NMD candidate); minus strand), LOC129937585 (ATAC-STARR-seq lymphoblastoid active region 20539; plus strand). Cytogenetic location: 3q22.1.
Variant type: Insertion.
Coding change: c.129_130insGG on transcript NM_024818.6 (MANE Select); coding-DNA positions 129 to 130, GG inserted.
Protein change: p.Ser44fs; shifts the reading frame from serine 44.
Molecular consequence: frameshift variant. On other transcripts: 5 prime UTR variant (3), intron variant (1).
Genome position: GRCh38 VCF-style: chr3-132660665-T-TGG. GRCh37 (hg19) VCF-style: chr3-132379509-T-TGG.
Other names: c.-390_-389insGG (NM_001320210.2); c.-356_-355insGG (NM_001321238.2); c.-72_-71insGG (NM_001321239.1); c.-7-5157_-7-5156insGG (NM_198329.4); c.129_130insGG (NM_024818.4); short protein forms S44fs.
Identifiers: ClinVar variation 985921 (VCV000985921.5), dbSNP rs766932828, ClinGen allele CA2621257.